The following is an entry in ClinVar:

NM_001005273.3(CHD3):c.571del (p.Ala191fs)

Gene: CHD3 (chromodomain helicase DNA binding protein 3; plus strand). Cytogenetic location: 17p13.1.
Variant type: Deletion.
Coding change: c.571del on transcript NM_001005273.3 (MANE Select); coding-DNA position 571, one base deleted (G; older notation c.571delG).
Protein change: p.Ala191fs; shifts the reading frame from alanine 191.
Molecular consequence: frameshift variant.
Genome position (GRCh38, 1-based): chr17:7,893,347, G deleted; the last of 4 consecutive G bases (chr17:7,893,344-7,893,347); deleting any one gives the same sequence. VCF-style (leftmost placement, unchanged base first): chr17-7893343-TG-T. GRCh37 (hg19) VCF-style: chr17-7796661-TG-T.
Other names: c.748del, p.Ala250fs (NM_001005271.3); c.571del, p.Ala191fs (NM_005852.4); short protein forms A191fs, A250fs.
Identifiers: ClinVar variation 3338555 (VCV003338555.1).

ClinVar aggregate classification (germline): Likely pathogenic (1 of 4 stars; one submission).

Conditions:
Snijders Blok-Campeau syndrome. Also called: INTELLECTUAL DEVELOPMENTAL DISORDER WITH MACROCEPHALY, SPEECH DELAY, AND DYSMORPHIC FACIES. Identifiers: Orphanet 599082, MedGen C4748701, MONDO:0032600, OMIM 618205.

Submission:

Greenwood Genetic Center Diagnostic Laboratories, Greenwood Genetic Center
Classification: Likely pathogenic for Snijders Blok-Campeau syndrome. Last evaluated: 2024-06-11. Review status: criteria provided, single submitter. Criteria: ACMG Guidelines, 2015. Collection method: clinical testing. Allele origin: germline. Affected: yes.
Comment: PVS1, PM2